The following is an entry in ClinVar:

NM_144651.5(PXDNL):c.3150T>C (p.Thr1050=)

Gene: PXDNL (peroxidasin like; minus strand). Cytogenetic location: 8q11.22.
Variant type: single nucleotide variant.
Coding change: c.3150T>C on transcript NM_144651.5 (MANE Select); coding-DNA position 3150, T replaced by C.
Protein change: p.Thr1050=; no amino-acid change (threonine 1050 retained).
Molecular consequence: synonymous variant.
Genome position (GRCh38, 1-based): chr8:51,408,474, A>G on the plus strand (T>C on the coding strand, the complement: PXDNL is on the minus strand). VCF-style: chr8-51408474-A-G. GRCh37 (hg19) VCF-style: chr8-52321034-A-G.
Identifiers: ClinVar variation 776325 (VCV000776325.7), dbSNP rs79130173, ClinGen allele CA4744878.

ClinVar aggregate classification (germline): Benign. Review status: criteria provided, multiple submitters, no conflicts (2 of 4 stars). 3 submissions from 3 submitters: Benign (2). 1 of the submissions does not count toward it. Last evaluated 2019-12-31.

Conditions:
PXDNL-related disorder. Also called: PXDNL-related condition.

Allele frequency attached by ClinVar (database versions not stated): gnomAD exomes 0.00619; ExAC 0.00725; ESP Exome Variant Server 0.02332; gnomAD 0.02389 and 0.02549; TOPMed 0.02751; 1000 Genomes Project 0.02796; 1000 Genomes Project 30x 0.02889.
gnomAD v4.1: 7,111 of 1,613,840 alleles (0.44%); highest among the groups gnomAD compares: African/African-American, 8.1%; 277 homozygotes.

Submissions (3):

Labcorp Genetics (formerly Invitae), Labcorp
Classification: Benign. Last evaluated: 2019-12-31. Review status: criteria provided, single submitter. Criteria: Invitae Variant Classification Sherloc (09022015). Collection method: clinical testing. Allele origin: germline.

Breakthrough Genomics
Classification: Benign. Review status: criteria provided, single submitter. Criteria: ACMG Guidelines, 2015. Collection method: not provided. Allele origin: germline. Inheritance: Unknown mechanism. Affected: yes.

PreventionGenetics, part of Exact Sciences
Classification: Benign for PXDNL-related condition. Last evaluated: 2020-01-13. Review status: no assertion criteria provided. Collection method: clinical testing. Allele origin: germline. Not counted in ClinVar's aggregate classification.
Comment: This variant is classified as benign based on ACMG/AMP sequence variant interpretation guidelines (Richards et al. 2015 PMID: 25741868, with internal and published modifications).